The following is an entry in ClinVar:

NM_003954.5(MAP3K14):c.1244A>G (p.His415Arg)

Gene: MAP3K14 (mitogen-activated protein kinase kinase kinase 14; minus strand). Cytogenetic location: 17q21.31.
Variant type: single nucleotide variant.
Coding change: c.1244A>G on transcript NM_003954.5 (MANE Select); coding-DNA position 1244, A replaced by G.
Protein change: p.His415Arg; replaces histidine 415 with arginine.
Molecular consequence: missense variant.
Genome position (GRCh38, 1-based): chr17:45,284,858, T>C on the plus strand (A>G on the coding strand, the complement: MAP3K14 is on the minus strand). VCF-style: chr17-45284858-T-C. GRCh37 (hg19) VCF-style: chr17-43362225-T-C.
Other names: short protein forms H415R.
Identifiers: ClinVar variation 1040307 (VCV001040307.5), dbSNP rs774469329, ClinGen allele CA8614188.

ClinVar aggregate classification (germline): Uncertain significance (1 of 4 stars; one submission).

Conditions:
NIK deficiency. Also called: Primary immunodeficiency with multifaceted aberrant lymphoid immunity. Identifiers: Orphanet 447731, MedGen C5680065, MONDO:0018642.

Allele frequency attached by ClinVar (database versions not stated): gnomAD exomes 0.00001 and 0.00002; ExAC 0.00002; gnomAD 0.00002 and 0.00003; TOPMed 0.00004.
gnomAD v4.1: 10 of 1,589,576 alleles (0.00063%); highest among the groups gnomAD compares: Middle Eastern, 0.017%; no homozygotes.

Submission:

Labcorp Genetics (formerly Invitae), Labcorp
Classification: Uncertain significance for NIK deficiency. Last evaluated: 2024-11-04. Review status: criteria provided, single submitter. Criteria: Invitae Variant Classification Sherloc (09022015). Collection method: clinical testing. Allele origin: germline.
Comment: This sequence change replaces histidine, which is basic and polar, with arginine, which is basic and polar, at codon 415 of the MAP3K14 protein (p.His415Arg). This variant is present in population databases (rs774469329, gnomAD 0.01%). This variant has not been reported in the literature in individuals affected with MAP3K14-related conditions. ClinVar contains an entry for this variant (Variation ID: 1040307). Experimental studies and prediction algorithms are not available or were not evaluated, and the functional significance of this variant is currently unknown. In summary, the available evidence is currently insufficient to determine the role of this variant in disease. Therefore, it has been classified as a Variant of Uncertain Significance.